The following is an entry in ClinVar:

ClinVar aggregate classification (germline): Uncertain significance (1 of 4 stars; one submission).

Allele frequency attached by ClinVar (database versions not stated): TOPMed below 0.00001; gnomAD exomes 0.00001.
gnomAD v4.1: 9 of 1,611,872 alleles (0.00056%); highest among the groups gnomAD compares: East Asian, 0.0022%; no homozygotes.

Submission:

Labcorp Genetics (formerly Invitae), Labcorp
Classification: Uncertain significance. Last evaluated: 2022-08-15. Review status: criteria provided, single submitter. Criteria: Invitae Variant Classification Sherloc (09022015). Collection method: clinical testing. Allele origin: germline.
Comment: In summary, the available evidence is currently insufficient to determine the role of this variant in disease. Therefore, it has been classified as a Variant of Uncertain Significance. Algorithms developed to predict the effect of missense changes on protein structure and function are either unavailable or do not agree on the potential impact of this missense change (SIFT: "Tolerated"; PolyPhen-2: "Not Available"; Align-GVGD: "Class C0"). This variant has not been reported in the literature in individuals affected with PTPN23-related conditions. This variant is present in population databases (no rsID available, gnomAD 0.003%). This sequence change replaces threonine, which is neutral and polar, with methionine, which is neutral and non-polar, at codon 654 of the PTPN23 protein (p.Thr654Met).

NM_015466.4(PTPN23):c.1961C>T (p.Thr654Met)

Gene: PTPN23 (protein tyrosine phosphatase non-receptor type 23; plus strand). Cytogenetic location: 3p21.31.
Variant type: single nucleotide variant.
Coding change: c.1961C>T on transcript NM_015466.4 (MANE Select); coding-DNA position 1961, C replaced by T.
Protein change: p.Thr654Met; replaces threonine 654 with methionine.
Molecular consequence: missense variant.
Genome position (GRCh38, 1-based): chr3:47,409,666, C>T. VCF-style: chr3-47409666-C-T. GRCh37 (hg19) VCF-style: chr3-47451156-C-T.
Other names: c.1583C>T, p.Thr528Met (NM_001304482.2); short protein forms T528M, T654M.
Identifiers: ClinVar variation 2091146 (VCV002091146.2), dbSNP rs1259093455, ClinGen allele CA352556560.